The following is an entry in ClinVar:

NM_020533.3(MCOLN1):c.497G>T (p.Cys166Phe)

Gene: MCOLN1 (mucolipin TRP cation channel 1; plus strand). Cytogenetic location: 19p13.2.
Variant type: single nucleotide variant.
Coding change: c.497G>T on transcript NM_020533.3 (MANE Select); coding-DNA position 497, G replaced by T.
Protein change: p.Cys166Phe; replaces cysteine 166 with phenylalanine.
Molecular consequence: missense variant.
Genome position (GRCh38, 1-based): chr19:7,526,852, G>T. VCF-style: chr19-7526852-G-T. GRCh37 (hg19) VCF-style: chr19-7591738-G-T.
Other names: NC_000019.9:g.7591738G>T; short protein forms C166F.
Identifiers: ClinVar variation 208032 (VCV000208032.5), dbSNP rs797044826, ClinGen allele CA347439.

ClinVar aggregate classification (germline): Uncertain significance. Review status: criteria provided, single submitter (1 of 4 stars). 2 submissions from 2 submitters: Uncertain significance (1). 1 of the submissions does not count toward it. Last evaluated 2019-05-03.

Conditions:
Mucolipidosis type IV (ML4). Also called: ML IV. Identifiers: Orphanet 578, MedGen C0238286, MONDO:0009653, OMIM 252650.

Allele frequency attached by ClinVar (database versions not stated): gnomAD exomes below 0.00001 and 0.00001; gnomAD 0.00002; TOPMed 0.00002.
gnomAD v4.1: 23 of 1,614,052 alleles (0.0014%); highest among the groups gnomAD compares: Non-Finnish European, 0.0019%; no homozygotes.

Submissions (3):

Women's Health and Genetics/Laboratory Corporation of America, LabCorp
Classification: Uncertain significance. Last evaluated: 2019-05-03. Review status: criteria provided, single submitter. Criteria: LabCorp Variant Classification Summary - May 2015. Collection method: clinical testing. Allele origin: germline.
Comment: Variant summary: MCOLN1 c.497G>T (p.Cys166Phe) results in a non-conservative amino acid change located in the TRPML1 luminal linker which disrupts an intrasubunit disulfide bond (li_2017) of the encoded protein sequence. Four of five in-silico tools predict a damaging effect of the variant on protein function. The variant allele was found at a frequency of 4e-06 in 251456 control chromosomes (gnomAD). The available data on variant occurrences in the general population are insufficient to allow any conclusion about variant significance. c.497G>T has been reported in the literature in individuals affected with Mucolipidosis Type 4 (Wakabayashi_2011). These data do not allow any conclusion about variant significance. To our knowledge, no experimental evidence demonstrating an impact on protein function has been reported. One submitter (GeneReviews , literature review only) has provided clinical-significance assessments for this variant to ClinVar after 2014 without evidence for independent evaluation and classified the variant as pathogenic. Based on the evidence outlined above, the variant was classified as uncertain significance.

Natera, Inc.
Classification: Uncertain significance for Mucolipidosis type IV. Last evaluated: 2018-05-10. Review status: no assertion criteria provided. Collection method: clinical testing. Allele origin: germline. Not counted in ClinVar's aggregate classification.

Dr. Peter K. Rogan Lab, Western University
No classification provided (evidence only). Condition: Malignant tumor of esophagus. Review status: no classification provided. Collection method: in vitro. Allele origin: not applicable. Functional consequence: cryptic splice site. Not counted in ClinVar's aggregate classification.

Literature cited by the submitters: PubMed 21763169 (cited by Women's Health and Genetics/Laboratory Corporation of America, LabCorp); PubMed 28936784 (cited by Women's Health and Genetics/Laboratory Corporation of America, LabCorp); PubMed 28112729 (cited by Women's Health and Genetics/Laboratory Corporation of America, LabCorp).